The following is an entry in ClinVar:

NM_144672.4(OTOA):c.1807G>T (p.Val603Phe)

Gene: OTOA (otoancorin). Cytogenetic location: 16p12.2.
Variant type: single nucleotide variant.
Coding change: c.1807G>T on transcript NM_144672.4 (MANE Select); coding-DNA position 1807, G replaced by T.
Protein change: p.Val603Phe; replaces valine 603 with phenylalanine.
Molecular consequence: missense variant.
Genome position (GRCh38, 1-based): chr16:21,722,905, G>T. VCF-style: chr16-21722905-G-T. GRCh37 (hg19) VCF-style: chr16-21734226-G-T.
Other names: c.1570G>T, p.Val524Phe (NM_001161683.2); c.835G>T, p.Val279Phe (NM_170664.3); short protein forms V603F, V279F, V524F.
Identifiers: ClinVar variation 229067 (VCV000229067.12), dbSNP rs775686301, ClinGen allele CA10577004.

ClinVar aggregate classification (germline): Conflicting classifications of pathogenicity. Review status: criteria provided, conflicting classifications (1 of 4 stars). 2 submissions from 2 submitters: Pathogenic (1); Uncertain significance (1). Last evaluated 2026-01-14.

Allele frequency attached by ClinVar (database versions not stated): gnomAD 0.00003 and 0.00004; TOPMed 0.00004.
gnomAD v4.1: 13 of 1,613,658 alleles (0.00081%); highest among the groups gnomAD compares: Middle Eastern, 0.033%; no homozygotes.

Submissions (2):

Labcorp Genetics (formerly Invitae), Labcorp
Classification: Pathogenic. Last evaluated: 2026-01-14. Review status: criteria provided, single submitter. Criteria: Invitae Variant Classification Sherloc (09022015). Collection method: clinical testing. Allele origin: germline.
Comment: This sequence change replaces valine, which is neutral and non-polar, with phenylalanine, which is neutral and non-polar, at codon 603 of the OTOA protein (p.Val603Phe). This variant is present in population databases (no rsID available, gnomAD 0.007%). This missense change has been observed in individual(s) with nonsyndromic deafness (PMID: 26029705, 26969326; internal data). In at least one individual the data is consistent with being in trans (on the opposite chromosome) from a pathogenic variant. It has also been observed to segregate with disease in related individuals. This variant is also known as c.1570G>T (p.Val524Phe). ClinVar contains an entry for this variant (Variation ID: 229067). An algorithm developed to predict the effect of missense changes on protein structure and function (PolyPhen-2) suggests that this variant is likely to be disruptive. Algorithms developed to predict the effect of sequence changes on RNA splicing suggest that this variant may disrupt the consensus splice site. For these reasons, this variant has been classified as Pathogenic.

Laboratory for Molecular Medicine, Mass General Brigham Personalized Medicine
Classification: Uncertain significance. Last evaluated: 2015-02-05. Review status: criteria provided, single submitter. Criteria: LMM Criteria. Collection method: clinical testing. Allele origin: germline. Observed: 1 variant allele.
Comment: The p.Val603Phe variant in OTOA has not been previously reported in individuals with hearing loss and or in large population studies. Computational prediction t ools and conservation analyses do not provide strong support for or against an i mpact to the protein. This variant is located in the first base of the exon, whi ch is part of the 3? splice region. Computational tools do not suggest an impact to splicing. However, this information is not predictive enough to rule out pat hogenicity. In summary, the clinical significance of the p.Val603Phe variant is uncertain.

Literature cited by the submitters: PubMed 26029705 (cited by Labcorp Genetics (formerly Invitae), Labcorp); PubMed 26969326 (cited by Labcorp Genetics (formerly Invitae), Labcorp).